The following is an entry in ClinVar:

ClinVar aggregate classification (germline): Uncertain significance (1 of 4 stars; one submission).

gnomAD v4.1: 10 of 1,546,818 alleles (0.00065%); highest among the groups gnomAD compares: South Asian, 0.013%; no homozygotes.

Submission:

GeneDx
Classification: Uncertain significance. Last evaluated: 2025-08-14. Review status: criteria provided, single submitter. Criteria: GeneDx Variant Classification Process June 2021. Collection method: clinical testing. Allele origin: germline. Affected: yes.
Comment: Not observed at significant frequency in large population cohorts (gnomAD); Missense variant in a gene in which most reported pathogenic variants are truncating/loss of function; Has not been previously published as pathogenic or benign to our knowledge

NM_001267550.2(TTN):c.44425G>T (p.Val14809Leu)

Gene: TTN (titin; minus strand). Cytogenetic location: 2q31.2.
Variant type: single nucleotide variant.
Coding change: c.44425G>T on transcript NM_001267550.2 (MANE Select); coding-DNA position 44425, G replaced by T.
Protein change: p.Val14809Leu; replaces valine 14809 with leucine.
Molecular consequence: missense variant.
Genome position (GRCh38, 1-based): chr2:178,625,396, C>A on the plus strand (G>T on the coding strand, the complement: TTN is on the minus strand). VCF-style: chr2-178625396-C-A. GRCh37 (hg19) VCF-style: chr2-179490123-C-A.
Other names: c.39502G>T, p.Val13168Leu (NM_001256850.1); c.17230G>T, p.Val5744Leu (NM_003319.4); c.36721G>T, p.Val12241Leu (NM_133378.4); c.17605G>T, p.Val5869Leu (NM_133432.3); c.17806G>T, p.Val5936Leu (NM_133437.4); short protein forms V13168L, V5869L, V12241L, V14809L, V5744L, V5936L.
Identifiers: ClinVar variation 4795503 (VCV004795503.1).